The following is an entry in ClinVar:

ClinVar aggregate classification (germline): Pathogenic. Review status: criteria provided, multiple submitters, no conflicts (2 of 4 stars). 7 submissions from 7 submitters: Pathogenic (6). 1 of the submissions does not count toward it. Last evaluated 2025-04-02.

Conditions:
PLA2G6-related disorder. Also called: PLA2G6-related condition.
Infantile neuroaxonal dystrophy (NBIA2A). Also called: Infantile neuroaxonal dystrophy 1; SEITELBERGER DISEASE; NEURODEGENERATION WITH BRAIN IRON ACCUMULATION 2A. Identifiers: Orphanet 35069, MedGen C0270724, MONDO:0024457, OMIM 256600.
Neurodegeneration with brain iron accumulation 2B. Also called: aNAD; atypical Neuroaxonal Dystrophy (aNAD); NEUROAXONAL DYSTROPHY, ATYPICAL; NEURODEGENERATION WITH BRAIN IRON ACCUMULATION, PLA2G6-RELATED. Identifiers: Orphanet 35069, MedGen C1857747, MONDO:0012444, OMIM 610217.
Autosomal recessive Parkinson disease 14. Also called: PARKINSON DISEASE 14; DYSTONIA-PARKINSONISM, ADULT-ONSET. Identifiers: Orphanet 199351, MedGen C2751842, MONDO:0013060, OMIM 612953.

Allele frequency attached by ClinVar (database versions not stated): gnomAD 0.00001; TOPMed 0.00001.

Submissions (7):

3billion
Classification: Pathogenic for PLA2G6-related disorder. Last evaluated: 2025-04-02. Review status: criteria provided, single submitter. Criteria: ACMG Guidelines, 2015. Collection method: clinical testing. Allele origin: germline. Affected: yes.
Comment: The variant is observed at an extremely low frequency in the gnomAD v4.1.0 dataset (total allele frequency: <0.001%).Predicted Consequence/Location:Stop-gained (nonsense): predicted to result in a loss or disruption of normal protein function through nonsense-mediated decay (NMD) or protein truncation. Multiple pathogenic variants are reported downstream of the variant. The variant was homozygous. The variant has been reported at least twice as pathogenic with clinical assertions and evidence for the classification (ClinVar ID: VCV001028628 / PMID: 20619503).Therefore, this variant is classified as Pathogenic according to the recommendation of ACMG/AMP guideline.

Labcorp Genetics (formerly Invitae), Labcorp
Classification: Pathogenic for Infantile neuroaxonal dystrophy. Last evaluated: 2024-05-31. Review status: criteria provided, single submitter. Criteria: Invitae Variant Classification Sherloc (09022015). Collection method: clinical testing. Allele origin: germline.
Comment: This sequence change creates a premature translational stop signal (p.Arg645*) in the PLA2G6 gene. It is expected to result in an absent or disrupted protein product. Loss-of-function variants in PLA2G6 are known to be pathogenic (PMID: 16783378, 18570303, 18799783, 22213678). This variant is not present in population databases (gnomAD no frequency). This premature translational stop signal has been observed in individual(s) with infantile neuroaxonal dystrophy, atypical neuroaxonal dystrophy, and PLA2G6-related neurodegeneration (PMID: 20619503, 24130795, 28600779, 30302010, 34272103). This variant is also known as p.R654X or p.R591X. ClinVar contains an entry for this variant (Variation ID: 1028628). For these reasons, this variant has been classified as Pathogenic.

Genomic Medicine Center of Excellence, King Faisal Specialist Hospital and Research Centre
Classification: Pathogenic for Infantile neuroaxonal dystrophy. Last evaluated: 2024-03-17. Review status: criteria provided, single submitter. Criteria: ACMG Guidelines, 2015. Collection method: research. Allele origin: germline.

Blueprint Genetics
Classification: Pathogenic for PLA2G6-related disorders. Last evaluated: 2020-11-07. Review status: criteria provided, single submitter. Criteria: ACMG Guidelines, 2015. Collection method: clinical testing. Allele origin: germline. Affected: yes. Observed: 1 variant allele.

Baylor Genetics
Classification: Pathogenic for Neurodegeneration with brain iron accumulation 2B. Last evaluated: 2020-09-16. Review status: criteria provided, single submitter. Criteria: ACMG Guidelines, 2015. Collection method: clinical testing. Allele origin: unknown. Affected: yes.
Comment: This variant was determined to be pathogenic according to ACMG Guidelines, 2015 [PMID:25741868].

Juno Genomics, Hangzhou Juno Genomics, Inc
Classification: Pathogenic for Infantile neuroaxonal dystrophy; Neurodegeneration with brain iron accumulation 2B; Autosomal recessive Parkinson disease 14. Review status: criteria provided, single submitter. Criteria: ACMG Guidelines, 2015. Collection method: clinical testing. Allele origin: germline. Affected: yes.
Comment: Null variant in a gene where loss of function (LOF) is a known mechanism of disease.;Absent from controls (or at extremely low frequency if recessive) in Genome Aggregation Database, Exome Sequencing Project, 1000 Genomes Project, or Exome Aggregation Consortium.;For recessive disorders, detected in trans with a pathogenic variant.;Co-segregation with disease in multiple affected family members in a gene definitively known to cause the disease.

Clinical Laboratory Sciences Program (CLSP), King Saud bin Abdulaziz University for Health Sciences (KSAU-HS)
Classification: Likely pathogenic for Neurodegeneration with brain iron accumulation 2B. Last evaluated: 2023-04-01. Review status: no assertion criteria provided. Collection method: clinical testing. Allele origin: germline. Affected: yes. Not counted in ClinVar's aggregate classification.

Literature cited by the submitters: PubMed 20619503 (cited by 3billion and Labcorp Genetics (formerly Invitae), Labcorp); PubMed 16783378 (cited by Labcorp Genetics (formerly Invitae), Labcorp); PubMed 18570303 (cited by Labcorp Genetics (formerly Invitae), Labcorp); PubMed 18799783 (cited by Labcorp Genetics (formerly Invitae), Labcorp); PubMed 22213678 (cited by Labcorp Genetics (formerly Invitae), Labcorp); PubMed 24130795 (cited by Labcorp Genetics (formerly Invitae), Labcorp); PubMed 28600779 (cited by Labcorp Genetics (formerly Invitae), Labcorp); PubMed 30302010 (cited by Labcorp Genetics (formerly Invitae), Labcorp); PubMed 34272103 (cited by Labcorp Genetics (formerly Invitae), Labcorp).

NM_003560.4(PLA2G6):c.1933C>T (p.Arg645Ter)

Gene: PLA2G6 (phospholipase A2 group VI; minus strand). Cytogenetic location: 22q13.1.
Variant type: single nucleotide variant.
Coding change: c.1933C>T on transcript NM_003560.4 (MANE Select); coding-DNA position 1933, C replaced by T.
Protein change: p.Arg645Ter; replaces arginine 645 with a stop codon.
Molecular consequence: nonsense.
Genome position (GRCh38, 1-based): chr22:38,115,628, G>A on the plus strand (C>T on the coding strand, the complement: PLA2G6 is on the minus strand). VCF-style: chr22-38115628-G-A. GRCh37 (hg19) VCF-style: chr22-38511635-G-A.
Other names: c.1771C>T, p.Arg591Ter (NM_001004426.3, NM_001199562.3, NM_001349865.2 and 1 more transcripts); c.1933C>T, p.Arg645Ter (NM_001349864.2); c.1399C>T, p.Arg467Ter (NM_001349867.2); c.1255C>T, p.Arg419Ter (NM_001349868.2); c.1237C>T, p.Arg413Ter (NM_001349869.2); short protein forms R419*, R591*, R413*, R467*, R645*.
Identifiers: ClinVar variation 1028628 (VCV001028628.26), dbSNP rs1484455290, ClinGen allele CA411524782.